The following is an entry in ClinVar:

NM_006940.6(SOX5):c.2233G>A (p.Asp745Asn)

Gene: SOX5 (SRY-box transcription factor 5; minus strand). Cytogenetic location: 12p12.1.
Variant type: single nucleotide variant.
Coding change: c.2233G>A on transcript NM_006940.6 (MANE Select); coding-DNA position 2233, G replaced by A.
Protein change: p.Asp745Asn; replaces aspartic acid 745 with asparagine.
Molecular consequence: missense variant.
Genome position (GRCh38, 1-based): chr12:23,534,278, C>T on the plus strand (G>A on the coding strand, the complement: SOX5 is on the minus strand). VCF-style: chr12-23534278-C-T. GRCh37 (hg19) VCF-style: chr12-23687212-C-T.
Other names: c.1870G>A, p.Asp624Asn (NM_001261414.3); c.2203G>A, p.Asp735Asn (NM_001261415.3); c.2128G>A, p.Asp710Asn (NM_001330785.2); c.2194G>A, p.Asp732Asn (NM_152989.5); c.1075G>A, p.Asp359Asn (NM_178010.4); short protein forms D359N, D624N, D710N, D732N, D735N, D745N.
Identifiers: ClinVar variation 3898048 (VCV003898048.1).

ClinVar aggregate classification (germline): Uncertain significance (1 of 4 stars; one submission).

Conditions:
Lamb-Shaffer syndrome. Identifiers: Orphanet 313884, Orphanet 313892, Orphanet 530983, MedGen C4225202, MONDO:0014778, OMIM 616803.

Submission:

Neuberg Centre For Genomic Medicine, NCGM
Classification: Uncertain significance for Lamb-Shaffer syndrome. Last evaluated: 2024-02-01. Review status: criteria provided, single submitter. Criteria: ACMG Guidelines, 2015. Collection method: clinical testing. Allele origin: germline. Inheritance: Autosomal dominant inheritance.
Comment: The missense c.2233G>A (p.Asp745Asn) variant in SOX5 gene has not been reported previously as a pathogenic variant nor as a benign variant, to our knowledge.